The following is an entry in ClinVar:

ClinVar aggregate classification (germline): Uncertain significance (1 of 4 stars; one submission).

Submission:

Labcorp Genetics (formerly Invitae), Labcorp
Classification: Uncertain significance. Last evaluated: 2022-07-06. Review status: criteria provided, single submitter. Criteria: Invitae Variant Classification Sherloc (09022015). Collection method: clinical testing. Allele origin: germline.
Comment: This sequence change replaces glutamic acid, which is acidic and polar, with glycine, which is neutral and non-polar, at codon 60 of the C8orf37 protein (p.Glu60Gly). This variant is not present in population databases (gnomAD no frequency). This variant has not been reported in the literature in individuals affected with C8orf37-related conditions. ClinVar contains an entry for this variant (Variation ID: 1681142). Algorithms developed to predict the effect of missense changes on protein structure and function are either unavailable or do not agree on the potential impact of this missense change (SIFT: "Deleterious"; PolyPhen-2: "Benign"; Align-GVGD: "Class C0"). In summary, the available evidence is currently insufficient to determine the role of this variant in disease. Therefore, it has been classified as a Variant of Uncertain Significance.

NM_177965.4(CFAP418):c.179A>G (p.Glu60Gly)

Gene: CFAP418 (cilia and flagella associated protein 418; minus strand). Cytogenetic location: 8q22.1.
Variant type: single nucleotide variant.
Coding change: c.179A>G on transcript NM_177965.4 (MANE Select); coding-DNA position 179, A replaced by G.
Protein change: p.Glu60Gly; replaces glutamic acid 60 with glycine.
Molecular consequence: missense variant.
Genome position (GRCh38, 1-based): chr8:95,263,751, T>C on the plus strand (A>G on the coding strand, the complement: CFAP418 is on the minus strand). VCF-style: chr8-95263751-T-C. GRCh37 (hg19) VCF-style: chr8-96275979-T-C.
Other names: c.179A>G, p.Glu60Gly (NM_001363260.1); short protein forms E60G.
Identifiers: ClinVar variation 1681142 (VCV001681142.6), dbSNP rs2132164398, ClinGen allele CA371837657.